The following is an entry in ClinVar:

NM_139076.3(ABRAXAS1):c.89A>C (p.Glu30Ala)

Gene: ABRAXAS1 (abraxas 1, BRCA1 A complex subunit; minus strand). Cytogenetic location: 4q21.23.
Variant type: single nucleotide variant.
Coding change: c.89A>C on transcript NM_139076.3 (MANE Select); coding-DNA position 89, A replaced by C.
Protein change: p.Glu30Ala; replaces glutamic acid 30 with alanine.
Molecular consequence: missense variant. On other transcripts: 5 prime UTR variant (1).
Genome position (GRCh38, 1-based): chr4:83,482,243, T>G on the plus strand (A>C on the coding strand, the complement: ABRAXAS1 is on the minus strand). VCF-style: chr4-83482243-T-G. GRCh37 (hg19) VCF-style: chr4-84403396-T-G.
Other names: c.-172A>C (NM_001345962.2); short protein forms E30A.
Identifiers: ClinVar variation 2449147 (VCV002449147.2), dbSNP rs2529465445, ClinGen allele CA357263372.

ClinVar aggregate classification (germline): Uncertain significance (1 of 4 stars; one submission).

Submission:

Ambry Genetics
Classification: Uncertain significance. Last evaluated: 2023-01-30. Review status: criteria provided, single submitter. Criteria: Ambry Variant Classification Scheme 2023. Collection method: clinical testing. Allele origin: germline.
Comment: The p.E30A variant (also known as c.89A>C), located in coding exon 2 of the FAM175A gene, results from an A to C substitution at nucleotide position 89. The glutamic acid at codon 30 is replaced by alanine, an amino acid with dissimilar properties. This amino acid position is conserved. In addition, the in silico prediction for this alteration is inconclusive. Since supporting evidence is limited at this time, the clinical significance of this alteration remains unclear.